The following is an entry in ClinVar:

ClinVar aggregate classification (germline): Likely pathogenic (1 of 4 stars; one submission).

Submission:

GeneDx
Classification: Likely pathogenic. Last evaluated: 2026-09-11. Review status: criteria provided, single submitter. Criteria: GeneDx Variant Classification Process June 2021. Collection method: clinical testing. Allele origin: germline.
Comment: Frameshift variant predicted to result in protein truncation or nonsense mediated decay in a gene for which loss of function is a known mechanism of disease; Not observed at significant frequency in large population cohorts (gnomAD); Has not been previously published as pathogenic or benign to our knowledge

NM_007315.4(STAT1):c.750dup (p.Pro251fs)

Gene: STAT1 (signal transducer and activator of transcription 1; minus strand). Cytogenetic location: 2q32.2.
Variant type: Duplication.
Coding change: c.750dup on transcript NM_007315.4 (MANE Select); coding-DNA position 750, one base duplicated (G; older notation c.750dupG).
Protein change: p.Pro251fs; shifts the reading frame from proline 251.
Molecular consequence: frameshift variant.
Genome position (GRCh38, 1-based): chr2:190,997,891, C duplicated on the plus strand (G on the coding strand, the reverse complement: STAT1 is on the minus strand); the first of 6 consecutive C bases (chr2:190,997,891-190,997,896); duplicating any one gives the same sequence. VCF-style (leftmost placement, unchanged base first): chr2-190997890-G-GC. GRCh37 (hg19) VCF-style: chr2-191862616-G-GC.
Other names: c.750dup, p.Pro251fs (NM_001384880.1, NM_001384882.1, NM_001384885.1 and 5 more transcripts); c.756dup, p.Pro253fs (NM_001384881.1, NM_001384884.1); c.651dup, p.Pro218fs (NM_001384883.1); c.660dup, p.Pro221fs (NM_001384890.1); c.786dup, p.Pro263fs (NM_001384891.1); c.750dupG (NM_007315.3); c.750dup (NM_007315.3); short protein forms P251fs, P218fs, P221fs, P253fs, P263fs.
Identifiers: ClinVar variation 524113 (VCV000524113.3), dbSNP rs1341038926, ClinGen allele CA538915171.